The following is an entry in ClinVar:

NM_000017.4(ACADS):c.958G>T (p.Ala320Ser)

Gene: ACADS (acyl-CoA dehydrogenase short chain; plus strand). Cytogenetic location: 12q24.31.
Variant type: single nucleotide variant.
Coding change: c.958G>T on transcript NM_000017.4 (MANE Select); coding-DNA position 958, G replaced by T.
Protein change: p.Ala320Ser; replaces alanine 320 with serine.
Molecular consequence: missense variant.
Genome position (GRCh38, 1-based): chr12:120,738,844, G>T. VCF-style: chr12-120738844-G-T. GRCh37 (hg19) VCF-style: chr12-121176647-G-T.
Other names: c.946G>T, p.Ala316Ser (NM_001302554.2); short protein forms A316S, A320S.
Identifiers: ClinVar variation 1021867 (VCV001021867.9), dbSNP rs777939247, ClinGen allele CA6831149.

ClinVar aggregate classification (germline): Uncertain significance. Review status: criteria provided, multiple submitters, no conflicts (2 of 4 stars). 2 submissions from 2 submitters: Uncertain significance (2). Last evaluated 2021-07-16.

Conditions:
Deficiency of butyryl-CoA dehydrogenase (ACADSD). Also called: SCADH DEFICIENCY; ACADS DEFICIENCY; Short-Chain Acyl-CoA Dehydrogenase Deficiency; SCAD DEFICIENCY, MILD; ACYL-CoA DEHYDROGENASE, SHORT-CHAIN, DEFICIENCY OF; SCAD Deficiency. Identifiers: Orphanet 26792, MedGen C0342783, MONDO:0008722, OMIM 201470. Disease mechanism: May be benign.

Allele frequency attached by ClinVar (database versions not stated): gnomAD exomes below 0.00001 and 0.00002; gnomAD 0.00001; ExAC 0.00002; TOPMed 0.00002.
gnomAD v4.1: 2 of 1,613,438 alleles (0.00012%); highest among the groups gnomAD compares: Admixed American, 0.0017%; no homozygotes.

Submissions (2):

Fulgent Genetics
Classification: Uncertain significance for Deficiency of butyryl-CoA dehydrogenase. Last evaluated: 2021-07-16. Review status: criteria provided, single submitter. Criteria: ACMG Guidelines, 2015. Collection method: clinical testing. Allele origin: unknown.

Labcorp Genetics (formerly Invitae), Labcorp
Classification: Uncertain significance for Deficiency of butyryl-CoA dehydrogenase. Last evaluated: 2020-08-20. Review status: criteria provided, single submitter. Criteria: Invitae Variant Classification Sherloc (09022015). Collection method: clinical testing. Allele origin: germline.
Comment: This sequence change replaces alanine with serine at codon 320 of the ACADS protein (p.Ala320Ser). The alanine residue is highly conserved and there is a moderate physicochemical difference between alanine and serine. This variant is present in population databases (rs777939247, ExAC 0.01%). This variant has not been reported in the literature in individuals with ACADS-related conditions. Advanced modeling of protein sequence and biophysical properties (such as structural, functional, and spatial information, amino acid conservation, physicochemical variation, residue mobility, and thermodynamic stability) performed at Invitae indicates that this missense variant is not expected to disrupt ACADS protein function. In summary, the available evidence is currently insufficient to determine the role of this variant in disease. Therefore, it has been classified as a Variant of Uncertain Significance.